The following is an entry in ClinVar:

NM_003901.4(SGPL1):c.1385G>T (p.Arg462Leu)

Gene: SGPL1 (sphingosine-1-phosphate lyase 1; plus strand). Cytogenetic location: 10q22.1.
Variant type: single nucleotide variant.
Coding change: c.1385G>T on transcript NM_003901.4 (MANE Select); coding-DNA position 1385, G replaced by T.
Protein change: p.Arg462Leu; replaces arginine 462 with leucine.
Molecular consequence: missense variant.
Genome position (GRCh38, 1-based): chr10:70,875,488, G>T. VCF-style: chr10-70875488-G-T. GRCh37 (hg19) VCF-style: chr10-72635245-G-T.
Other names: short protein forms R462L.
Identifiers: ClinVar variation 3688725 (VCV003688725.2).

ClinVar aggregate classification (germline): Uncertain significance (1 of 4 stars; one submission).

Submission:

Labcorp Genetics (formerly Invitae), Labcorp
Classification: Uncertain significance. Last evaluated: 2024-07-24. Review status: criteria provided, single submitter. Criteria: Invitae Variant Classification Sherloc (09022015). Collection method: clinical testing. Allele origin: germline.
Comment: This sequence change replaces arginine, which is basic and polar, with leucine, which is neutral and non-polar, at codon 462 of the SGPL1 protein (p.Arg462Leu). This variant is not present in population databases (gnomAD no frequency). This variant has not been reported in the literature in individuals affected with SGPL1-related conditions. Advanced modeling of protein sequence and biophysical properties (such as structural, functional, and spatial information, amino acid conservation, physicochemical variation, residue mobility, and thermodynamic stability) performed at Invitae indicates that this missense variant is not expected to disrupt SGPL1 protein function with a negative predictive value of 80%. In summary, the available evidence is currently insufficient to determine the role of this variant in disease. Therefore, it has been classified as a Variant of Uncertain Significance.